The following is an entry in ClinVar:

ClinVar aggregate classification (germline): Pathogenic/Likely pathogenic. Review status: criteria provided, multiple submitters, no conflicts (2 of 4 stars). 10 submissions from 10 submitters: Pathogenic (6); Likely pathogenic (2). 2 of the submissions do not count toward it. Last evaluated 2026-02-04.

Conditions:
CYP7B1-related disorder. Also called: CYP7B1-related condition.
Hereditary spastic paraplegia 5A (SPG5A). Also called: SPASTIC PARAPLEGIA 5A, AUTOSOMAL RECESSIVE. Identifiers: Orphanet 100986, MedGen C1849115, MONDO:0010047, OMIM 270800.
Congenital bile acid synthesis defect 3. Identifiers: Orphanet 79302, MedGen C3151147, MONDO:0013439, OMIM 613812.
Hereditary spastic paraplegia. Also called: Familial spastic paraparesis. Identifiers: Orphanet 685, MedGen C0037773, MONDO:0019064. Disease mechanism: loss of function.
Spastic paraplegia. Identifiers: MedGen C0037772, HP:0001258.

Allele frequency attached by ClinVar (database versions not stated): gnomAD exomes 0.00003 and 0.00004; TOPMed 0.00003; ExAC 0.00004; gnomAD 0.00005 and 0.00006.
gnomAD v4.1: 69 of 1,611,146 alleles (0.0043%); highest among the groups gnomAD compares: East Asian, 0.0089%; no homozygotes.

Submissions (10):

Labcorp Genetics (formerly Invitae), Labcorp
Classification: Pathogenic for Spastic paraplegia. Last evaluated: 2026-02-04. Review status: criteria provided, single submitter. Criteria: Invitae Variant Classification Sherloc (09022015). Collection method: clinical testing. Allele origin: germline.
Comment: This sequence change replaces arginine, which is basic and polar, with histidine, which is basic and polar, at codon 417 of the CYP7B1 protein (p.Arg417His). This variant is present in population databases (rs121908611, gnomAD 0.01%). This missense change has been observed in individual(s) with autosomal recessive hereditary spastic paraplegia (PMID: 18252231, 19439420, 22384504). It has also been observed to segregate with disease in related individuals. ClinVar contains an entry for this variant (Variation ID: 6103). Invitae Evidence Modeling of protein sequence and biophysical properties (such as structural, functional, and spatial information, amino acid conservation, physicochemical variation, residue mobility, and thermodynamic stability) indicates that this missense variant is expected to disrupt CYP7B1 protein function with a positive predictive value of 95%. This variant disrupts the p.Arg417 amino acid residue in CYP7B1. Other variant(s) that disrupt this residue have been determined to be pathogenic (PMID: 19439420, 21567895, 24658845). This suggests that this residue is clinically significant, and that variants that disrupt this residue are likely to be disease-causing. For these reasons, this variant has been classified as Pathogenic.

GeneDx
Classification: Pathogenic. Last evaluated: 2025-05-16. Review status: criteria provided, single submitter. Criteria: GeneDx Variant Classification Process June 2021. Collection method: clinical testing. Allele origin: germline. Affected: yes.
Comment: Not observed at significant frequency in large population cohorts (gnomAD); In silico analysis supports that this missense variant has a deleterious effect on protein structure/function; This variant is associated with the following publications: (PMID: 7987300, 19439420, 24491228, 21452256, 19363635, 18252231, 29228183, 34426522, 31589614, 36964972, 29126212, 22384504, 33160247, 21541746)

CeGaT Center for Human Genetics Tuebingen
Classification: Pathogenic. Last evaluated: 2025-01-01. Review status: criteria provided, single submitter. Criteria: CeGaT Center For Human Genetics Tuebingen Variant Classification Criteria Version 2. Collection method: clinical testing. Allele origin: germline. Affected: yes. Observed: 1 variant allele.
Comment: CYP7B1: PM3:Strong, PP1:Strong, PM2, PM5

Blueprint Genetics
Classification: Pathogenic for CYP7B1-related disorders. Last evaluated: 2024-09-23. Review status: criteria provided, single submitter. Criteria: ACMG Guidelines, 2015. Collection method: clinical testing. Allele origin: germline. Affected: yes. Observed: 5 variant alleles.

Fulgent Genetics
Classification: Likely pathogenic for Hereditary spastic paraplegia 5A; Congenital bile acid synthesis defect 3. Last evaluated: 2024-02-27. Review status: criteria provided, single submitter. Criteria: ACMG Guidelines, 2015. Collection method: clinical testing. Allele origin: germline.

Athena Diagnostics
Classification: Pathogenic. Last evaluated: 2023-03-15. Review status: criteria provided, single submitter. Criteria: Athena Diagnostics Criteria. Collection method: clinical testing. Allele origin: unknown.
Comment: The frequency of this variant in the general population is consistent with pathogenicity. This variant segregates with spastic paraplegia in multiple families. In multiple individuals, this variant has been seen with a single recessive pathogenic variant in the same gene, suggesting this variant may also be pathogenic. Computational tools predict that this variant is damaging.

Genome Diagnostics Laboratory, The Hospital for Sick Children
Classification: Pathogenic for Hereditary spastic paraplegia. Last evaluated: 2020-10-15. Review status: criteria provided, single submitter. Criteria: ACMG Guidelines, 2015. Collection method: clinical testing. Allele origin: germline. Affected: yes.

Laboratory for Molecular Medicine, Mass General Brigham Personalized Medicine
Classification: Likely pathogenic for Hereditary spastic paraplegia 5A. Last evaluated: 2018-10-04. Review status: criteria provided, single submitter. Criteria: LMM Criteria. Collection method: clinical testing. Allele origin: germline. Inheritance: Autosomal recessive inheritance. Observed: 1 variant allele.
Comment: The p.Arg417His variant in CYP7B1 has been reported in 6 individuals with spasti c paraplegia and two young children with oxysterol 7a-hydroxylase deficiency, an d segregated with spastic paraplegia in 10 affected relatives from 4 families (T saousidou 2008, Goizet 2009, Mizuochi 2011, Noreau 2012, Dai 2014). This variant has been identified in 2/18838 East Asian chromosomes by the Genome Aggregation Database (gnomAD) and is reported in ClinVar (Variation ID: 6103). Molecular modeling studies, computational prediction tool s, and conservation analysis suggest that the p.Arg417His variant may impact the protein, though this information is not predictive enough to determine pathogen icity (Siam 2012). In summary, although additional studies are required to fully establish its clinical significance, this variant meets criteria to be classifi ed as likely pathogenic for autosomal recessive spastic paraplegia type 5. ACMG/ AMP criteria applied: PM3_Strong, PM2, PP1_Moderate, PP3.

PreventionGenetics, part of Exact Sciences
Classification: Pathogenic for CYP7B1-related condition. Last evaluated: 2024-02-27. Review status: no assertion criteria provided. Collection method: clinical testing. Allele origin: germline. Not counted in ClinVar's aggregate classification.
Comment: The CYP7B1 c.1250G>A variant is predicted to result in the amino acid substitution p.Arg417His. This variant was reported in the homozygous state in an individual with hereditary spastic paraplegia (Family 2, Tsaousidou et al 2008. PubMed ID: 18252231). This variant was also identified in the heterozygous state, and interpreted as pathogenic, in three individuals in a study utiziling exome sequencing for preconception carrier screening (Supplementary Table 1, Capalbo A et al 2019. PubMed ID: 31589614). Comparative modeling of CYP7B1 shows that the R417 amino acid resides in the meander region, which is the conserved PERF region, and suggests that any variant involving the R417 amino acid would be predicted to severely affect enzyme function (Siam A et al 2011. PubMed ID: 21541746). In addition, other variants impact the R417 amino acids have also been reported in individuals with hereditary spastic paraplegia (Goizet et al. 2009. PubMed ID: 19439420; Cao et al. 2011. PubMed ID: 21452256). This variant is reported in 0.010% of alleles in individuals of East Asian descent in gnomAD. Taken together, we interpret this variant as pathogenic.

OMIM
Classification: Pathogenic for SPASTIC PARAPLEGIA 5A, AUTOSOMAL RECESSIVE. Last evaluated: 2009-06-01. Review status: no assertion criteria provided. Collection method: literature only. Allele origin: germline. Not counted in ClinVar's aggregate classification.

Literature cited by the submitters: PubMed 18252231 (cited by 4 submitters); PubMed 19439420 (cited by 4 submitters); PubMed 22384504 (cited by 3 submitters); PubMed 21567895 (cited by Labcorp Genetics (formerly Invitae), Labcorp and Laboratory for Molecular Medicine, Mass General Brigham Personalized Medicine); PubMed 24658845 (cited by Labcorp Genetics (formerly Invitae), Labcorp and Laboratory for Molecular Medicine, Mass General Brigham Personalized Medicine); PubMed 21541746 (cited by Athena Diagnostics and Laboratory for Molecular Medicine, Mass General Brigham Personalized Medicine); PubMed 31589614 (cited by Athena Diagnostics); PubMed 34426522 (cited by Athena Diagnostics); PubMed 33160247 (cited by Athena Diagnostics); PubMed 25324891 (cited by Athena Diagnostics); PubMed 29228183 (cited by Athena Diagnostics); PubMed 29126212 (cited by Athena Diagnostics); PubMed 17503452 (cited by Athena Diagnostics); PubMed 7987300 (cited by Athena Diagnostics and OMIM).

NM_004820.5(CYP7B1):c.1250G>A (p.Arg417His)

Gene: CYP7B1 (cytochrome P450 family 7 subfamily B member 1; minus strand). Cytogenetic location: 8q12.3.
Variant type: single nucleotide variant.
Coding change: c.1250G>A on transcript NM_004820.5 (MANE Select); coding-DNA position 1250, G replaced by A.
Protein change: p.Arg417His; replaces arginine 417 with histidine.
Molecular consequence: missense variant. On other transcripts: intron variant (1).
Genome position (GRCh38, 1-based): chr8:64,596,913, C>T on the plus strand (G>A on the coding strand, the complement: CYP7B1 is on the minus strand). VCF-style: chr8-64596913-C-T. GRCh37 (hg19) VCF-style: chr8-65509470-C-T.
Other names: c.1234-7069G>A (NM_001324112.2); short protein forms R417H.
Identifiers: ClinVar variation 6103 (VCV000006103.37), dbSNP rs121908611, ClinGen allele CA210942.
Genomic context (GRCh38, chr8:64,596,913, plus strand): 5'-CACTTCAGCTTTTTCCCTCTTTTGAAAAAGGTGGTTTTCTTCTTACCATCTTCTATAAAA[C>T]GATCATATCTAAACTCCTGTAAGGAAGAATAGTGTTAAAATTAACATTTTATATGAAATA-3'
Protein context (NP_004811.1, residues 407-427): FEAPEEFRYD[Arg417His]FIEDGKKKTT